The following is an entry in ClinVar:

NM_024422.6(DSC2):c.2369G>A (p.Gly790Glu)

Gene: DSC2 (desmocollin 2; minus strand). Cytogenetic location: 18q12.1.
Variant type: single nucleotide variant.
Coding change: c.2369G>A on transcript NM_024422.6 (MANE Select); coding-DNA position 2369, G replaced by A.
Protein change: p.Gly790Glu; replaces glycine 790 with glutamic acid.
Molecular consequence: missense variant.
Genome position (GRCh38, 1-based): chr18:31,069,033, C>T on the plus strand (G>A on the coding strand, the complement: DSC2 is on the minus strand). VCF-style: chr18-31069033-C-T. GRCh37 (hg19) VCF-style: chr18-28648999-C-T.
Other names: c.2369G>A, p.Gly790Glu (NM_004949.5); short protein forms G790E.
Identifiers: ClinVar variation 432627 (VCV000432627.19), dbSNP rs1555637241, ClinGen allele CA402111633.

ClinVar aggregate classification (germline): Uncertain significance. Review status: criteria provided, multiple submitters, no conflicts (2 of 4 stars). 4 submissions from 4 submitters: Uncertain significance (4). Last evaluated 2025-03-14.

Conditions:
Cardiovascular phenotype. Identifiers: MedGen CN230736.
Arrhythmogenic right ventricular dysplasia 11. Also called: Arrhythmogenic Right Ventricular Dysplasia/Cardiomyopathy11; ARRHYTHMOGENIC RIGHT VENTRICULAR DYSPLASIA, FAMILIAL, 11; Arrhythmogenic right ventricular dysplasia 11 with mild palmoplantar keratoderma and woolly hair. Identifiers: MedGen C1864850, MONDO:0012506, OMIM 610476.
Cardiomyopathy (CMYO). Also called: Cardiomyopathies. Identifiers: Orphanet 167848, MedGen C0878544, MONDO:0004994, HP:0001638. Inheritance: Various modes of inheritance.

gnomAD v4.1: 1 of 1,612,602 alleles (0.000062%); highest among the groups gnomAD compares: Non-Finnish European, 0.000085%; no homozygotes.

Submissions (4):

Ambry Genetics
Classification: Uncertain significance for Cardiovascular phenotype. Last evaluated: 2025-03-14. Review status: criteria provided, single submitter. Criteria: Ambry Variant Classification Scheme 2023. Collection method: clinical testing. Allele origin: germline.
Comment: The p.G790E variant (also known as c.2369G>A), located in coding exon 15 of the DSC2 gene, results from a G to A substitution at nucleotide position 2369. The glycine at codon 790 is replaced by glutamic acid, an amino acid with similar properties. This amino acid position is not well conserved in available vertebrate species. In addition, the in silico prediction for this alteration is inconclusive. Based on the available evidence, the clinical significance of this variant remains unclear.

Labcorp Genetics (formerly Invitae), Labcorp
Classification: Uncertain significance for Arrhythmogenic right ventricular dysplasia 11. Last evaluated: 2024-01-08. Review status: criteria provided, single submitter. Criteria: Invitae Variant Classification Sherloc (09022015). Collection method: clinical testing. Allele origin: germline.
Comment: This sequence change replaces glycine, which is neutral and non-polar, with glutamic acid, which is acidic and polar, at codon 790 of the DSC2 protein (p.Gly790Glu). This variant is not present in population databases (gnomAD no frequency). This variant has not been reported in the literature in individuals affected with DSC2-related conditions. ClinVar contains an entry for this variant (Variation ID: 432627). Advanced modeling of protein sequence and biophysical properties (such as structural, functional, and spatial information, amino acid conservation, physicochemical variation, residue mobility, and thermodynamic stability) performed at Invitae indicates that this missense variant is not expected to disrupt DSC2 protein function with a negative predictive value of 80%. In summary, the available evidence is currently insufficient to determine the role of this variant in disease. Therefore, it has been classified as a Variant of Uncertain Significance.

Color Diagnostics, LLC DBA Color Health
Classification: Uncertain significance for Cardiomyopathy. Last evaluated: 2023-03-28. Review status: criteria provided, single submitter. Criteria: ACMG Guidelines, 2015. Collection method: clinical testing. Allele origin: germline.
Comment: This missense variant replaces glycine with glutamic acid at codon 790 of the DSC2 protein. Computational prediction suggests that this variant may not impact protein structure and function (internally defined REVEL score threshold <= 0.5, PMID: 27666373). To our knowledge, functional studies have not been reported for this variant. This variant has not been reported in individuals affected with cardiovascular disorders in the literature. This variant has not been identified in the general population by the Genome Aggregation Database (gnomAD). The available evidence is insufficient to determine the role of this variant in disease conclusively. Therefore, this variant is classified as a Variant of Uncertain Significance.

GeneDx
Classification: Uncertain significance. Last evaluated: 2021-10-28. Review status: criteria provided, single submitter. Criteria: GeneDx Variant Classification Process June 2021. Collection method: clinical testing. Allele origin: germline. Affected: yes.
Comment: Has not been previously published as pathogenic or benign to our knowledge; Not observed at significant frequency in large population cohorts (gnomAD); In silico analysis supports that this missense variant has a deleterious effect on protein structure/function